The following is an entry in ClinVar:

ClinVar aggregate classification (germline): Uncertain significance (1 of 4 stars; one submission).

Conditions:
Cardiovascular phenotype. Identifiers: MedGen CN230736.

gnomAD v4.1: 12 of 1,584,304 alleles (0.00076%); highest among the groups gnomAD compares: Non-Finnish European, 0.00095%; no homozygotes.

Submission:

Ambry Genetics
Classification: Uncertain significance for Cardiovascular phenotype. Last evaluated: 2024-11-21. Review status: criteria provided, single submitter. Criteria: Ambry Variant Classification Scheme 2023. Collection method: clinical testing. Allele origin: germline.
Comment: The c.186+4A>C intronic variant results from an A to C substitution 4 nucleotides after coding exon 2 in the ANK2 gene. This nucleotide position is not well conserved in available vertebrate species. In silico splice site analysis predicts that this alteration will not have any significant effect on splicing. Based on the available evidence, the clinical significance of this variant remains unclear.

NM_001148.6(ANK2):c.186+4A>C

Gene: ANK2 (ankyrin 2; plus strand). Cytogenetic location: 4q25.
Variant type: single nucleotide variant.
Coding change: c.186+4A>C on transcript NM_001148.6 (MANE Select); 4 bases into the intron after coding-DNA position 186, A replaced by C.
Molecular consequence: intron variant.
Genome position (GRCh38, 1-based): chr4:113,174,521, A>C. VCF-style: chr4-113174521-A-C. GRCh37 (hg19) VCF-style: chr4-114095677-A-C.
Other names: c.174+4A>C (NM_001386186.2, NM_001386148.2, NM_001354269.3 and 1 more transcripts); c.168+4A>C (NM_001386147.1, NM_001386160.1, NM_001354261.2); c.123+4A>C (NM_001354254.2, NM_001354239.2, NM_001354252.2 and 33 more transcripts); c.231+4A>C (NM_001354241.2, NM_001386152.1, NM_001354237.2 and 5 more transcripts); c.186+4A>C (NM_001354225.2, NM_001354235.2, NM_001354246.2 and 9 more transcripts); c.237+4A>C (NM_001386174.1, NM_001386175.1).
Identifiers: ClinVar variation 3540526 (VCV003540526.1).